The following is an entry in ClinVar:

ClinVar aggregate classification (germline): Likely benign. Review status: criteria provided, multiple submitters, no conflicts (2 of 4 stars). 4 submissions from 4 submitters: Likely benign (4). Last evaluated 2025-12-03.

Conditions:
Occult macular dystrophy (OCMD). Also called: OCCULT MACULAR DYSTROPHY, SUSCEPTIBILITY TO; OMD. Identifiers: Orphanet 247834, MedGen C3150833, MONDO:0013316, OMIM 613587, HP:0030636.

Allele frequency attached by ClinVar (database versions not stated): ESP Exome Variant Server 0.00016; gnomAD 0.00021 and 0.00022; gnomAD exomes 0.00030; 1000 Genomes Project 0.00040; TOPMed 0.00040; 1000 Genomes Project 30x 0.00047.
gnomAD v4.1: 475 of 1,608,404 alleles (0.03%); highest among the groups gnomAD compares: Middle Eastern, 0.1%; 1 homozygote.

Submissions (4):

Labcorp Genetics (formerly Invitae), Labcorp
Classification: Likely benign. Last evaluated: 2025-12-03. Review status: criteria provided, single submitter. Criteria: Invitae Variant Classification Sherloc (09022015). Collection method: clinical testing. Allele origin: germline.

Blueprint Genetics
Classification: Likely benign. Last evaluated: 2024-07-23. Review status: criteria provided, single submitter. Criteria: ACMG Guidelines, 2015. Collection method: clinical testing. Allele origin: germline.

Illumina Laboratory Services, Illumina
Classification: Likely benign for Occult macular dystrophy. Last evaluated: 2018-01-13. Review status: criteria provided, single submitter. Criteria: ICSL Variant Classification Criteria 13 December 2019. Collection method: clinical testing. Allele origin: germline.
Comment: This variant was observed in the ICSL laboratory as part of a predisposition screen in an ostensibly healthy population. It had not been previously curated by ICSL or reported in the Human Gene Mutation Database (HGMD: prior to June 1st, 2018), and was therefore a candidate for classification through an automated scoring system. Utilizing variant allele frequency, disease prevalence and penetrance estimates, and inheritance mode, an automated score was calculated to assess if this variant is too frequent to cause the disease. Based on the score and internal cut-off values, a variant classified as likely benign is not then subjected to further curation. The score for this variant resulted in a classification of likely benign for this disease.

Breakthrough Genomics
Classification: Likely benign. Review status: criteria provided, single submitter. Criteria: ACMG Guidelines, 2015. Collection method: not provided. Allele origin: germline. Inheritance: Autosomal recessive inheritance. Affected: yes.

NM_178857.6(RP1L1):c.67C>T (p.Arg23Cys)

Gene: RP1L1 (RP1 like 1). Cytogenetic location: 8p23.1.
Variant type: single nucleotide variant.
Coding change: c.67C>T on transcript NM_178857.6 (MANE Select); coding-DNA position 67, C replaced by T.
Protein change: p.Arg23Cys; replaces arginine 23 with cysteine.
Molecular consequence: missense variant.
Genome position (GRCh38, 1-based): chr8:10,623,135, G>A on the plus strand (C>T on the coding strand, the complement: RP1L1 is on the minus strand). VCF-style: chr8-10623135-G-A. GRCh37 (hg19) VCF-style: chr8-10480645-G-A.
Other names: short protein forms R23C.
Identifiers: ClinVar variation 910593 (VCV000910593.14), dbSNP rs188979626, ClinGen allele CA4625895.